The following is an entry in ClinVar:

NM_001267550.2(TTN):c.81302G>T (p.Gly27101Val)

Genes: TTN (titin; minus strand), TTN-AS1 (TTN antisense RNA 1; plus strand). Cytogenetic location: 2q31.2.
Variant type: single nucleotide variant.
Coding change: c.81302G>T on transcript NM_001267550.2 (MANE Select); coding-DNA position 81302, G replaced by T.
Protein change: p.Gly27101Val; replaces glycine 27101 with valine.
Molecular consequence: missense variant.
Genome position (GRCh38, 1-based): chr2:178,564,830, C>A on the plus strand (G>T on the coding strand, the complement: TTN is on the minus strand). VCF-style: chr2-178564830-C-A. GRCh37 (hg19) VCF-style: chr2-179429557-C-A.
Other names: p.G25460V:GGC>GTC; p.Gly25460Val; p.Gly24533Val; c.81302G>T (NM_001267550.1); c.76379G>T, p.Gly25460Val (NM_001256850.1); c.54107G>T, p.Gly18036Val (NM_003319.4); c.73598G>T, p.Gly24533Val (NM_133378.4); c.54482G>T, p.Gly18161Val (NM_133432.3); and 1 more; short protein forms G25460V, G27101V, G24533V, G18036V, G18161V, G18228V.
Identifiers: ClinVar variation 202905 (VCV000202905.51), dbSNP rs201490050, ClinGen allele CA310647.
Genomic context (GRCh38, chr2:178,564,830, plus strand): 5'-TTGACCCATAAAATACTGTTCTTTTCTTTCTGTTCAAGATGGTAGCCAATAATTTTGGTG[C>A]CTCCATCATTCACTGGCTCATGCCATTGCACAAGCATCTGATCTTTTGAGATTGATGTCA-3'
Protein context (NP_001254479.2, residues 27091-27111): VQWHEPVNDG[Gly27101Val]TKIIGYHLEQ

ClinVar aggregate classification (germline): Conflicting classifications of pathogenicity. Review status: criteria provided, conflicting classifications (1 of 4 stars). 10 submissions from 10 submitters: Uncertain significance (5); Likely benign (3). 2 of the submissions do not count toward it. Last evaluated 2026-06-17.

Conditions:
TTN-related disorder. Also called: TTN-related condition; TTN-related disease; TTN-related disorders.
Cardiovascular phenotype. Identifiers: MedGen CN230736.
Autosomal recessive limb-girdle muscular dystrophy type 2J (LGMDR10). Also called: Limb-girdle muscular dystrophy, type 2J; MUSCULAR DYSTROPHY, LIMB-GIRDLE, AUTOSOMAL RECESSIVE 10. Identifiers: Orphanet 140922, MedGen C1837342, MONDO:0012127, OMIM 608807.
Dilated cardiomyopathy 1G (CMD1G). Identifiers: Orphanet 154, MedGen C1858763, MONDO:0011400, OMIM 604145.
Left ventricular hypertrophy. Identifiers: MedGen C0149721, HP:0001712.

Allele frequency attached by ClinVar (database versions not stated): 1000 Genomes Project 30x 0.00016; 1000 Genomes Project 0.00020; gnomAD 0.00032; ESP Exome Variant Server 0.00033; TOPMed 0.00037.
gnomAD v4.1: 104 of 1,613,082 alleles (0.0064%); highest among the groups gnomAD compares: African/African-American, 0.13%; no homozygotes.

Submissions (10):

PreventionGenetics, part of Exact Sciences
Classification: Uncertain significance for TTN-related condition. Last evaluated: 2026-06-17. Review status: criteria provided, single submitter. Criteria: ACMG Guidelines, 2015. Collection method: clinical testing. Allele origin: germline.
Comment: The TTN c.81302G>T variant is predicted to result in the amino acid substitution p.Gly27101Val. This variant has been reported in an individual with dilated cardiomyopathy (Table S3, Mazzarotto et al. 2020. PubMed ID: 31983221). This variant is reported in 0.11% of alleles in individuals of African descent in gnomAD. Although we suspect that this variant may be benign, at this time, the clinical significance of this variant is uncertain due to the absence of conclusive functional and genetic evidence.

Labcorp Genetics (formerly Invitae), Labcorp
Classification: Likely benign for Dilated cardiomyopathy 1G; Autosomal recessive limb-girdle muscular dystrophy type 2J. Last evaluated: 2025-12-29. Review status: criteria provided, single submitter. Criteria: Invitae Variant Classification Sherloc (09022015). Collection method: clinical testing. Allele origin: germline.

Revvity Omics, Revvity
Classification: Uncertain significance. Last evaluated: 2025-06-12. Review status: criteria provided, single submitter. Criteria: ACMG Guidelines, 2015. Collection method: clinical testing. Allele origin: germline.

Mayo Clinic Laboratories, Mayo Clinic
Classification: Uncertain significance. Last evaluated: 2025-04-22. Review status: criteria provided, single submitter. Criteria: ACMG Guidelines, 2015. Collection method: clinical testing. Allele origin: germline. Observed: 3 variant alleles.

CeGaT Center for Human Genetics Tuebingen
Classification: Uncertain significance. Last evaluated: 2023-09-01. Review status: criteria provided, single submitter. Criteria: CeGaT Center For Human Genetics Tuebingen Variant Classification Criteria Version 2. Collection method: clinical testing. Allele origin: germline. Affected: yes. Observed: 1 variant allele.

Athena Diagnostics
Classification: Likely benign. Last evaluated: 2021-03-22. Review status: criteria provided, single submitter. Criteria: Athena Diagnostics criteria. Collection method: clinical testing. Allele origin: unknown.

Ambry Genetics
Classification: Likely benign for Cardiovascular phenotype. Last evaluated: 2020-01-16. Review status: criteria provided, single submitter. Criteria: Ambry Variant Classification Scheme 2023. Collection method: clinical testing. Allele origin: germline.

Eurofins Ntd Llc (ga)
Classification: Uncertain significance. Last evaluated: 2017-04-25. Review status: criteria provided, single submitter. Criteria: EGL Classification Definitions 2015. Collection method: clinical testing. Allele origin: germline. Observed: 4 variant alleles, 4 heterozygotes.

Clinical Molecular Genetics Laboratory, Johns Hopkins All Children's Hospital
Classification: Uncertain significance for Left ventricular hypertrophy. Last evaluated: 2015-11-04. Review status: no assertion criteria provided. Collection method: clinical testing. Allele origin: germline. Affected: yes. Not counted in ClinVar's aggregate classification.

GeneDx
No classification provided. Last evaluated: 2014-04-14. Review status: no classification provided. Criteria: GeneDx Variant Classification (06012015). Collection method: clinical testing. Allele origin: germline. Affected: yes. Not counted in ClinVar's aggregate classification.
Comment: Missense variants in the TTN gene are considered 'unclassified' if they are not previously reported in the literature and do not have >1% frequency in the population to be considered a polymorphism. Research indicates that truncating mutations in the TTN gene are expected to account for approximately 25% of familial and 18% of sporadic idiopathic DCM; however, truncating variants in the TTN gene have been reported in approximately 3% of reported control alleles. There has been little investigation into non-truncating variants. (Herman D et al. Truncations of titin causing dilated cardiomyopathy. N Eng J Med 366:619-628, 2012) The variant is found in DCM-CRDM panel(s).

Literature cited by the submitters: PubMed 31983221 (cited by Mayo Clinic Laboratories, Mayo Clinic).